The following is an entry in ClinVar:

NM_001365951.3(KIF1B):c.2315A>G (p.Tyr772Cys)

Gene: KIF1B (kinesin family member 1B; plus strand). Cytogenetic location: 1p36.22.
Variant type: single nucleotide variant.
Coding change: c.2315A>G on transcript NM_001365951.3 (MANE Select); coding-DNA position 2315, A replaced by G.
Protein change: p.Tyr772Cys; replaces tyrosine 772 with cysteine.
Molecular consequence: missense variant.
Genome position (GRCh38, 1-based): chr1:10,321,814, A>G. VCF-style: chr1-10321814-A-G. GRCh37 (hg19) VCF-style: chr1-10381872-A-G.
Other names: c.2315A>G, p.Tyr772Cys (NM_001365952.1); c.2177A>G, p.Tyr726Cys (NM_015074.3); short protein forms Y726C, Y772C.
Identifiers: ClinVar variation 4841873 (VCV004841873.1).

ClinVar aggregate classification (germline): Uncertain significance (1 of 4 stars; one submission).

Submission:

Ambry Genetics
Classification: Uncertain significance. Last evaluated: 2025-12-22. Review status: criteria provided, single submitter. Criteria: Ambry Variant Classification Scheme 2023. Collection method: clinical testing. Allele origin: germline.
Comment: The p.Y726C variant (also known as c.2177A>G), located in coding exon 21 of the KIF1B gene, results from an A to G substitution at nucleotide position 2177. The tyrosine at codon 726 is replaced by cysteine, an amino acid with highly dissimilar properties. This amino acid position is conserved. In addition, this alteration is predicted to be deleterious by in silico analysis. Based on the available evidence, the clinical significance of this variant remains unclear.